The following is an entry in ClinVar:

NM_000432.4(MYL2):c.52T>A (p.Phe18Ile)

Genes: MYL2 (myosin light chain 2; minus strand), LOC114827850 (VISTA enhancer hs2149; plus strand). Cytogenetic location: 12q24.11.
Variant type: single nucleotide variant.
Coding change: c.52T>A on transcript NM_000432.4 (MANE Select); coding-DNA position 52, T replaced by A.
Protein change: p.Phe18Ile; replaces phenylalanine 18 with isoleucine.
Molecular consequence: missense variant. On other transcripts: 5 prime UTR variant (1).
Genome position (GRCh38, 1-based): chr12:110,919,145, A>T on the plus strand (T>A on the coding strand, the complement: MYL2 is on the minus strand). VCF-style: chr12-110919145-A-T. GRCh37 (hg19) VCF-style: chr12-111356949-A-T.
Other names: c.52T>A, p.Phe18Ile (NM_001406745.1); c.-6T>A (NM_001406916.1); short protein forms F18I.
Identifiers: ClinVar variation 3775984 (VCV003775984.1).

ClinVar aggregate classification (germline): Uncertain significance (1 of 4 stars; one submission).

Conditions:
Hypertrophic cardiomyopathy 10. Also called: MYL2-Related Familial Hypertrophic Cardiomyopathy; CARDIOMYOPATHY, HYPERTROPHIC, MID-LEFT VENTRICULAR CHAMBER TYPE, 2. Identifiers: MedGen C1834460, MONDO:0012112, OMIM 608758.

Submission:

3billion
Classification: Uncertain significance for Hypertrophic cardiomyopathy 10. Last evaluated: 2023-08-31. Review status: criteria provided, single submitter. Criteria: ACMG Guidelines, 2015. Collection method: clinical testing. Allele origin: germline. Affected: yes.
Comment: The variant is not observed in the gnomAD v2.1.1 dataset. Predicted Consequence/Location: Missense variant In silico tool predictions suggest damaging effect of the variant on gene or gene product [REVEL: 0.91 (>=0.6, sensitivity 0.68 and specificity 0.92); 3Cnet: 0.85 (>=0.6, sensitivity 0.72 and precision 0.9)]. Different missense changes at the same codon (p.Phe18Leu, p.Phe18Ser) have been reported as pathogenic/likely pathogenic with strong evidence (ClinVar ID: VCV000014068, VCV000181425 /PMID: 9535554). Therefore, this variant is classified as VUS according to the recommendation of ACMG/AMP guideline.

Literature cited by the submitters: PubMed 9535554.